The following is an entry in ClinVar:

NM_007194.4(CHEK2):c.179_180del (p.Leu60fs)

Gene: CHEK2 (checkpoint kinase 2; minus strand). Cytogenetic location: 22q12.1.
Variant type: Deletion.
Coding change: c.179_180del on transcript NM_007194.4 (MANE Select); coding-DNA positions 179 to 180, 2 bases deleted (TG; older notation c.179_180delTG).
Protein change: p.Leu60fs; shifts the reading frame from leucine 60.
Molecular consequence: frameshift variant.
Genome position (GRCh38, 1-based): chr22:28,734,542-28,734,543, CA deleted on the plus strand (TG on the coding strand, the reverse complement: CHEK2 is on the minus strand). VCF-style (leftmost placement, unchanged base first): chr22-28734541-TCA-T. GRCh37 (hg19) VCF-style: chr22-29130529-TCA-T.
Other names: c.179_180delTG, p.Leu60Glnfs (NM_145862.3, NM_001005735.3, NM_001349956.3); c.-599_-598delTG (NM_001257387.3); c.179_180delTG (NM_007194.3); short protein forms L60fs.
Identifiers: ClinVar variation 1957421 (VCV001957421.6), dbSNP rs2518131006, ClinGen allele CA2580099425.
Genomic context (GRCh38, chr22:28,734,541, plus strand): 5'-CAGGTTCTTGGTCCTCAGGAATAGAATAGAGTTCCTGAGTGGACACTGTCTCTAAGGAGC[TCA>T]GTGTCCCAGAGCTGGAGTGAGAGGACTGGCTGGAGTTTGGCATCGTGCTGGTAGAGGAGC-3'

ClinVar aggregate classification (germline): Pathogenic. Review status: criteria provided, multiple submitters, no conflicts (2 of 4 stars). 2 submissions from 2 submitters: Pathogenic (2). Last evaluated 2025-06-24.

Conditions:
Hereditary cancer-predisposing syndrome. Also called: Hereditary Cancer Syndrome; Hereditary neoplastic syndrome; Tumor predisposition; Neoplastic Syndromes, Hereditary. Identifiers: Orphanet 140162, MedGen C0027672, MeSH D009386, MONDO:0015356.
Familial cancer of breast. Also called: hereditary breast carcinoma; BREAST CANCER, FAMILIAL; Hereditary breast cancer. Identifiers: Orphanet 227535, MedGen C0346153, MONDO:0016419, OMIM 114480. Disease mechanism: loss of function.

Submissions (2):

Ambry Genetics
Classification: Pathogenic for Hereditary cancer-predisposing syndrome. Last evaluated: 2025-06-24. Review status: criteria provided, single submitter. Criteria: Ambry Variant Classification Scheme 2023. Collection method: clinical testing. Allele origin: germline.
Comment: The c.179_180delTG pathogenic mutation, located in coding exon 1 of the CHEK2 gene, results from a deletion of two nucleotides at nucleotide positions 179 to 180, causing a translational frameshift with a predicted alternate stop codon (p.L60Qfs*16). This variant is considered to be rare based on population cohorts in the Genome Aggregation Database (gnomAD). This alteration is expected to result in loss of function by premature protein truncation or nonsense-mediated mRNA decay. As such, this alteration is interpreted as a disease-causing mutation.

Labcorp Genetics (formerly Invitae), Labcorp
Classification: Pathogenic for Familial cancer of breast. Last evaluated: 2022-05-18. Review status: criteria provided, single submitter. Criteria: Invitae Variant Classification Sherloc (09022015). Collection method: clinical testing. Allele origin: germline.
Comment: This variant is not present in population databases (gnomAD no frequency). This sequence change creates a premature translational stop signal (p.Leu60Glnfs*16) in the CHEK2 gene. It is expected to result in an absent or disrupted protein product. Loss-of-function variants in CHEK2 are known to be pathogenic (PMID: 21876083, 24713400). This variant has not been reported in the literature in individuals affected with CHEK2-related conditions. For these reasons, this variant has been classified as Pathogenic.

Literature cited by the submitters: PubMed 21876083 (cited by Labcorp Genetics (formerly Invitae), Labcorp); PubMed 24713400 (cited by Labcorp Genetics (formerly Invitae), Labcorp).